The following is an entry in ClinVar:

NM_004984.4(KIF5A):c.928_930del (p.Asn310del)

Gene: KIF5A (kinesin family member 5A; plus strand). Cytogenetic location: 12q13.3.
Variant type: Deletion.
Coding change: c.928_930del on transcript NM_004984.4 (MANE Select); coding-DNA positions 928 to 930, 3 bases deleted (AAT; older notation c.928_930delAAT).
Protein change: p.Asn310del; deletes asparagine 310.
Molecular consequence: inframe deletion.
Genome position (GRCh38, 1-based): chr12:57,569,364-57,569,366, AAT deleted; deleting any 3 consecutive bases within chr12:57,569,362-57,569,366 gives the same sequence; the c. name uses the placement nearest the transcript's 3' end. VCF-style (leftmost placement, unchanged base first): chr12-57569361-TATA-T. GRCh37 (hg19) VCF-style: chr12-57963144-TATA-T.
Other names: c.661_663del, p.Asn221del (NM_001354705.2); short protein forms N221del, N310del.
Identifiers: ClinVar variation 4856128 (VCV004856128.1).

ClinVar aggregate classification (germline): Uncertain significance (1 of 4 stars; one submission).

Conditions:
Hereditary spastic paraplegia 10 (SPG10). Also called: SPASTIC PARAPLEGIA 10, AUTOSOMAL DOMINANT; SPASTIC PARAPLEGIA 10 WITH OR WITHOUT PERIPHERAL NEUROPATHY; SPASTIC PARAPLEGIA 10 WITH PERIPHERAL NEUROPATHY. Identifiers: Orphanet 100991, MedGen C1858712, MONDO:0011408, OMIM 604187.

Submission:

3billion
Classification: Uncertain significance for Hereditary spastic paraplegia 10. Last evaluated: 2025-05-07. Review status: criteria provided, single submitter. Criteria: ACMG Guidelines, 2015. Collection method: clinical testing. Allele origin: germline. Affected: yes.
Comment: The variant is not observed in the gnomAD v4.1.0 dataset. Predicted Consequence/Location: Inframe deletion located in a nonrepeat region: predicted to change the length of the protein and disrupt normal protein function. Therefore, this variant is classified as VUS according to the recommendation of ACMG/AMP guideline.